The following is an entry in ClinVar:

NM_001348768.2(HECW2):c.4511C>A (p.Ser1504Tyr)

Gene: HECW2 (HECT, C2 and WW domain containing E3 ubiquitin protein ligase 2; minus strand). Cytogenetic location: 2q32.3.
Variant type: single nucleotide variant.
Coding change: c.4511C>A on transcript NM_001348768.2 (MANE Select); coding-DNA position 4511, C replaced by A.
Protein change: p.Ser1504Tyr; replaces serine 1504 with tyrosine.
Molecular consequence: missense variant.
Genome position (GRCh38, 1-based): chr2:196,215,961, G>T on the plus strand (C>A on the coding strand, the complement: HECW2 is on the minus strand). VCF-style: chr2-196215961-G-T. GRCh37 (hg19) VCF-style: chr2-197080685-G-T.
Other names: c.3443C>A, p.Ser1148Tyr (NM_001304840.3); c.4511C>A, p.Ser1504Tyr (NM_020760.4); short protein forms S1148Y, S1504Y.
Identifiers: ClinVar variation 848063 (VCV000848063.11), dbSNP rs1687461391, ClinGen allele CA349942167.

ClinVar aggregate classification (germline): Likely pathogenic. Review status: criteria provided, multiple submitters, no conflicts (2 of 4 stars). 2 submissions from 2 submitters: Likely pathogenic (2). Last evaluated 2021-03-17.

Conditions:
Neurodevelopmental disorder with hypotonia, seizures, and absent language (NDHSAL). Identifiers: MedGen C4310643, MONDO:0014995, OMIM 617268.

Submissions (2):

Center for Statistical Genetics, Columbia University
Classification: Likely pathogenic for Neurodevelopmental disorder with hypotonia, seizures, and absent language. Last evaluated: 2021-03-17. Review status: criteria provided, single submitter. Criteria: ACMG Guidelines, 2015. Collection method: clinical testing. Allele origin: de novo. Affected: yes.

Labcorp Genetics (formerly Invitae), Labcorp
Classification: Likely pathogenic. Last evaluated: 2019-12-29. Review status: criteria provided, single submitter. Criteria: Invitae Variant Classification Sherloc (09022015). Collection method: clinical testing. Allele origin: germline.
Comment: In summary, the currently available evidence indicates that the variant is pathogenic, but additional data are needed to prove that conclusively. Therefore, this variant has been classified as Likely Pathogenic. Algorithms developed to predict the effect of missense changes on protein structure and function are either unavailable or do not agree on the potential impact of this missense change (SIFT: "Deleterious"; PolyPhen-2: "Probably Damaging"; Align-GVGD: "Class C15"). This variant is not present in population databases (ExAC no frequency). This sequence change replaces serine with tyrosine at codon 1504 of the HECW2 protein (p.Ser1504Tyr). The serine residue is highly conserved and there is a large physicochemical difference between serine and tyrosine. This variant has been observed in individual(s) with HECW2-related disease (Invitae). In at least one individual the variant was observed to be de novo.